The following is an entry in ClinVar:

NM_000350.3(ABCA4):c.*134G>A

Gene: ABCA4 (ATP binding cassette subfamily A member 4; minus strand). Cytogenetic location: 1p22.1.
Variant type: single nucleotide variant.
Coding change: c.*134G>A on transcript NM_000350.3 (MANE Select); 134 bases downstream of the stop codon, G replaced by A.
Molecular consequence: 3 prime UTR variant.
Genome position (GRCh38, 1-based): chr1:93,993,103, C>T on the plus strand (G>A on the coding strand, the complement: ABCA4 is on the minus strand). VCF-style: chr1-93993103-C-T. GRCh37 (hg19) VCF-style: chr1-94458659-C-T.
Other names: c.*134G>A (NM_001425324.1).
Identifiers: ClinVar variation 298219 (VCV000298219.8), dbSNP rs76201551, ClinGen allele CA10611696.

ClinVar aggregate classification (germline): Benign/Likely benign. Review status: criteria provided, multiple submitters, no conflicts (2 of 4 stars). 3 submissions from 3 submitters: Benign (1); Likely benign (2). Last evaluated 2018-07-05.

Conditions:
ABCA4-related disorder. Also called: ABCA4-related disorders; ABCA4-related condition. Identifiers: MedGen CN239167.

Allele frequency attached by ClinVar (database versions not stated): 1000 Genomes Project 0.01318; gnomAD 0.01426 and 0.01542; 1000 Genomes Project 30x 0.01437; TOPMed 0.01625.
gnomAD v4.1: 3,645 of 1,190,572 alleles (0.31%); highest among the groups gnomAD compares: African/African-American, 4.9%; 91 homozygotes.

Submissions (3):

GeneDx
Classification: Benign. Last evaluated: 2018-07-05. Review status: criteria provided, single submitter. Criteria: GeneDx Variant Classification Process June 2021. Collection method: clinical testing. Allele origin: germline. Affected: yes.

Illumina Laboratory Services, Illumina
Classification: Likely benign for ABCA4-Related Disorders. Last evaluated: 2018-01-12. Review status: criteria provided, single submitter. Criteria: ICSL Variant Classification Criteria 13 December 2019. Collection method: clinical testing. Allele origin: germline.
Comment: This variant was observed in the ICSL laboratory as part of a predisposition screen in an ostensibly healthy population. It had not been previously curated by ICSL or reported in the Human Gene Mutation Database (HGMD: prior to June 1st, 2018), and was therefore a candidate for classification through an automated scoring system. Utilizing variant allele frequency, disease prevalence and penetrance estimates, and inheritance mode, an automated score was calculated to assess if this variant is too frequent to cause the disease. Based on the score and internal cut-off values, a variant classified as likely benign is not then subjected to further curation. The score for this variant resulted in a classification of likely benign for this disease.

Breakthrough Genomics
Classification: Likely benign. Review status: criteria provided, single submitter. Criteria: ACMG Guidelines, 2015. Collection method: not provided. Allele origin: germline. Inheritance: Autosomal recessive inheritance. Affected: yes.